The following is an entry in ClinVar:

NM_016653.3(MAP3K20):c.1388T>C (p.Met463Thr)

Genes: MAP3K20 (mitogen-activated protein kinase kinase kinase 20; plus strand), MAP3K20-AS1 (MAP3K20 antisense RNA 1; minus strand). Cytogenetic location: 2q31.1.
Variant type: single nucleotide variant.
Coding change: c.1388T>C on transcript NM_016653.3 (MANE Select); coding-DNA position 1388, T replaced by C.
Protein change: p.Met463Thr; replaces methionine 463 with threonine.
Molecular consequence: missense variant.
Genome position (GRCh38, 1-based): chr2:173,258,727, T>C. VCF-style: chr2-173258727-T-C. GRCh37 (hg19) VCF-style: chr2-174123455-T-C.
Other names: short protein forms M463T.
Identifiers: ClinVar variation 1515054 (VCV001515054.4), dbSNP rs201029003, ClinGen allele CA1970842.

ClinVar aggregate classification (germline): Uncertain significance. Review status: criteria provided, multiple submitters, no conflicts (2 of 4 stars). 2 submissions from 2 submitters: Uncertain significance (2). Last evaluated 2022-08-23.

Allele frequency attached by ClinVar (database versions not stated): gnomAD exomes 0.00003; ExAC 0.00005; TOPMed 0.00006; gnomAD 0.00008 and 0.00009; ESP Exome Variant Server 0.00025.
gnomAD v4.1: 149 of 1,610,788 alleles (0.0093%); highest among the groups gnomAD compares: Non-Finnish European, 0.012%; no homozygotes.

Submissions (2):

Labcorp Genetics (formerly Invitae), Labcorp
Classification: Uncertain significance. Last evaluated: 2022-08-23. Review status: criteria provided, single submitter. Criteria: Invitae Variant Classification Sherloc (09022015). Collection method: clinical testing. Allele origin: germline.
Comment: This sequence change replaces methionine, which is neutral and non-polar, with threonine, which is neutral and polar, at codon 463 of the MAP3K20 protein (p.Met463Thr). This variant is present in population databases (rs201029003, gnomAD 0.008%). This variant has not been reported in the literature in individuals affected with MAP3K20-related conditions. ClinVar contains an entry for this variant (Variation ID: 1515054). Experimental studies and prediction algorithms are not available or were not evaluated, and the functional significance of this variant is currently unknown. In summary, the available evidence is currently insufficient to determine the role of this variant in disease. Therefore, it has been classified as a Variant of Uncertain Significance.

Breakthrough Genomics
Classification: Uncertain significance. Review status: criteria provided, single submitter. Criteria: ACMG Guidelines, 2015. Collection method: not provided. Allele origin: germline. Inheritance: Unknown mechanism. Affected: yes.